The following is an entry in ClinVar:

GRCh37/hg19 22q11.21(chr22:20728957-21800797)x1

Genes: AIFM3 (AIF family member 3; plus strand), CRKL (CRK like proto-oncogene, adaptor protein; plus strand), GGT2 (gamma-glutamyltransferase 2; minus strand), HIC2 (HIC ZBTB transcriptional repressor 2; plus strand), KLHL22 (kelch like family member 22; minus strand) and 12 more. Cytogenetic location: 22q11.21.
Variant type: copy number loss.
Change: copy number 1 (one copy instead of two) of chr22:20,728,957-21,800,797 (1.07 Mb, GRCh37 coordinates, 1-based), cytogenetic band 22q11.21.
Identifiers: ClinVar variation 1807748 (VCV001807748.1).

ClinVar aggregate classification (germline): Likely pathogenic (1 of 4 stars; one submission).

Submission:

Quest Diagnostics Nichols Institute San Juan Capistrano
Classification: Likely pathogenic. Last evaluated: 2024-05-06. Review status: criteria provided, single submitter. Criteria: ACMG/ClinGen CNV Guidelines, 2019. Collection method: clinical testing. Allele origin: unknown.
Comment: This copy number loss of 22q11.2 extends from low copy number repeats (LCRs) B to D and has been defined as central 22q11.2 deletion syndrome (ISCA-37516). Individuals with this central 22q11.2 deletion have variable phenotypes (Burnside 2015), although features are highly variable, even within families. CRKL has been proposed as a gene of interest (Breckpot 2012, Lopez-Rivera 2017, Racedo 2015), although haploinsufficiency has not been conclusively established (ISCA-2553). Enrichment of this deletion in clinical populations vs. controls was not found to be significant (p=0.3328; Coe 2014), and there are multiple similar copy number losses of this region in the general populations of the Database of Genomic Variants. Thus, this copy number loss is best described as a susceptibility locus and is interpreted as likely pathogenic. References: Breckpot et al., Am J Med Genet A. 2012 Mar;158A(3):574-80. PMID: 22318985; Burnside et al., Cytogenet Genome Res. 2015;146(2):89-99. PMID: 26278718; Coe et al., Nat Genet. 2014 Oct;46(10):1063-71. PMID: 25217958; Lopez-Rivera et al., N Engl J Med. 2017 Feb 23;376(8):742-754. PMID: 28121514; Racedo et al., Am J Hum Genet. 2015 Feb 5;96(2):235-44. PMID: 25658046